The following is an entry in ClinVar:

NM_002439.5(MSH3):c.269C>A (p.Pro90Gln)

Gene: MSH3 (mutS homolog 3; plus strand). Cytogenetic location: 5q14.1.
Variant type: single nucleotide variant.
Coding change: c.269C>A on transcript NM_002439.5 (MANE Select); coding-DNA position 269, C replaced by A.
Protein change: p.Pro90Gln; replaces proline 90 with glutamine.
Molecular consequence: missense variant.
Genome position (GRCh38, 1-based): chr5:80,656,442, C>A. VCF-style: chr5-80656442-C-A. GRCh37 (hg19) VCF-style: chr5-79952261-C-A.
Other names: short protein forms P90Q.
Identifiers: ClinVar variation 2757941 (VCV002757941.3), dbSNP rs2112801614, ClinGen allele CA360266201.

ClinVar aggregate classification (germline): Uncertain significance (1 of 4 stars; one submission).

Submission:

Labcorp Genetics (formerly Invitae), Labcorp
Classification: Uncertain significance. Last evaluated: 2025-07-24. Review status: criteria provided, single submitter. Criteria: Invitae Variant Classification Sherloc (09022015). Collection method: clinical testing. Allele origin: germline.
Comment: This sequence change replaces proline, which is neutral and non-polar, with glutamine, which is neutral and polar, at codon 90 of the MSH3 protein (p.Pro90Gln). This variant is not present in population databases (gnomAD no frequency). This variant has not been reported in the literature in individuals affected with MSH3-related conditions. ClinVar contains an entry for this variant (Variation ID: 2757941). An algorithm developed to predict the effect of missense changes on protein structure and function (PolyPhen-2) suggests that this variant is likely to be tolerated. In summary, the available evidence is currently insufficient to determine the role of this variant in disease. Therefore, it has been classified as a Variant of Uncertain Significance.